The following is an entry in ClinVar:

NM_000540.3(RYR1):c.9282C>T (p.Ser3094=)

Gene: RYR1 (ryanodine receptor 1; plus strand). Cytogenetic location: 19q13.2.
Variant type: single nucleotide variant.
Coding change: c.9282C>T on transcript NM_000540.3 (MANE Select); coding-DNA position 9282, C replaced by T.
Protein change: p.Ser3094=; no amino-acid change (serine 3094 retained).
Molecular consequence: synonymous variant.
Genome position (GRCh38, 1-based): chr19:38,512,293, C>T. VCF-style: chr19-38512293-C-T. GRCh37 (hg19) VCF-style: chr19-39002933-C-T.
Other names: c.9282C>T, p.Ser3094= (NM_001042723.2).
Identifiers: ClinVar variation 1566915 (VCV001566915.9), dbSNP rs777160622, ClinGen allele CA073450.

ClinVar aggregate classification (germline): Likely benign. Review status: criteria provided, multiple submitters, no conflicts (2 of 4 stars). 2 submissions from 2 submitters: Likely benign (2). Last evaluated 2025-04-21.

Conditions:
Malignant hyperthermia, susceptibility to, 1 (MHS1). Also called: RYR1-Related Malignant Hyperthermia Susceptibility; Anesthesia related hyperthermia; Malignant hyperpyrexia; Fulminating hyperpyrexia; Pharmacogenic myopathy; Malignant hyperthermia suceptibility 1. Identifiers: Orphanet 423, MedGen C2930980, MONDO:0007783, OMIM 145600.
RYR1-related disorder. Also called: RYR1-related condition; RYR1-related disorders. Identifiers: MedGen CN239331.

Allele frequency attached by ClinVar (database versions not stated): ExAC 0.00001; gnomAD 0.00001; gnomAD exomes 0.00001; TOPMed 0.00002.
gnomAD v4.1: 8 of 1,614,146 alleles (0.0005%); highest among the groups gnomAD compares: Admixed American, 0.012%; no homozygotes.

Submissions (2):

Labcorp Genetics (formerly Invitae), Labcorp
Classification: Likely benign for RYR1-related disorder. Last evaluated: 2025-04-21. Review status: criteria provided, single submitter. Criteria: Invitae Variant Classification Sherloc (09022015). Collection method: clinical testing. Allele origin: germline.

All of Us Research Program, National Institutes of Health
Classification: Likely benign for Malignant hyperthermia, susceptibility to, 1. Last evaluated: 2023-08-08. Review status: criteria provided, single submitter. Criteria: ACMG Guidelines, 2015. Collection method: clinical testing. Allele origin: germline. Inheritance: Autosomal dominant inheritance. Observed: 1 variant allele, 1 heterozygote.
Comment: This study involves interpretation of variants in research participants for the purpose of population health screening. Participant phenotype was not available at the time of variant classification. Additional details can be found in publication PMID: 35346344, PMCID: PMC8962531